The following is an entry in ClinVar:

NM_015102.5(NPHP4):c.2260G>A (p.Gly754Arg)

Gene: NPHP4 (nephrocystin 4; minus strand). Cytogenetic location: 1p36.31.
Variant type: single nucleotide variant.
Coding change: c.2260G>A on transcript NM_015102.5 (MANE Select); coding-DNA position 2260, G replaced by A.
Protein change: p.Gly754Arg; replaces glycine 754 with arginine.
Molecular consequence: missense variant. On other transcripts: non-coding transcript variant (1).
Genome position (GRCh38, 1-based): chr1:5,890,912, C>T on the plus strand (G>A on the coding strand, the complement: NPHP4 is on the minus strand). VCF-style: chr1-5890912-C-T. GRCh37 (hg19) VCF-style: chr1-5950972-C-T.
Other names: c.721G>A, p.Gly241Arg (NM_001291593.2); c.724G>A, p.Gly242Arg (NM_001291594.2); c.2260G>A (NM_015102.4); short protein forms G754R, G241R, G242R.
Identifiers: ClinVar variation 297808 (VCV000297808.19), dbSNP rs373962831, ClinGen allele CA554220.

ClinVar aggregate classification (germline): Conflicting classifications of pathogenicity. Review status: criteria provided, conflicting classifications (1 of 4 stars). 6 submissions from 6 submitters: Pathogenic (2); Likely pathogenic (2); Uncertain significance (2). Last evaluated 2026-06-21.

Conditions:
NPHP4-related disorder. Also called: NPHP4-related condition; NPHP4-related disorders. Identifiers: MedGen CN239384.
Senior-Loken syndrome 4 (SLSN4). Identifiers: Orphanet 3156, MedGen C1846979, MONDO:0011756, OMIM 606996.
Nephronophthisis 4 (NPHP4). Also called: NEPHRONOPHTHISIS 4, JUVENILE. Identifiers: Orphanet 655, MedGen C1847013, MONDO:0011752, OMIM 606966.
Nephronophthisis. Also called: Juvenile Nephronophthisis. Identifiers: Orphanet 655, MedGen C0687120, MONDO:0019005, HP:0000090.

Allele frequency attached by ClinVar (database versions not stated): gnomAD exomes 0.00001; ExAC 0.00002; TOPMed 0.00002; gnomAD 0.00003; ESP Exome Variant Server 0.00008.
gnomAD v4.1: 26 of 1,609,964 alleles (0.0016%); highest among the groups gnomAD compares: African/African-American, 0.0094%; no homozygotes.

Submissions (6):

PreventionGenetics, part of Exact Sciences
Classification: Likely pathogenic for NPHP4-related condition. Last evaluated: 2026-06-21. Review status: criteria provided, single submitter. Criteria: ACMG Guidelines, 2015. Collection method: clinical testing. Allele origin: germline.
Comment: The NPHP4 c.2260G>A variant is predicted to result in the amino acid substitution p.Gly754Arg. This variant has been reported in the homozygous and compound heterozygous state in individuals with nephronophthisis (Otto et al. 2002. PubMed ID: 12205563; Kang et al. 2016. PubMed ID: 27491411; Wang et al. 2021. PubMed ID: 34295353). This variant has also been described in a large cohort of individuals with nephronophthisis (supplementary data, Konig et al. 2022. PubMed ID: 36090483). Functional studies indicate that this variant impairs function (Roepman et al. 2005. PubMed ID: 16339905). This variant is reported in 0.0086% of alleles in individuals of African descent in gnomAD. This variant is interpreted as likely pathogenic.

Labcorp Genetics (formerly Invitae), Labcorp
Classification: Pathogenic for Nephronophthisis. Last evaluated: 2025-11-03. Review status: criteria provided, single submitter. Criteria: Invitae Variant Classification Sherloc (09022015). Collection method: clinical testing. Allele origin: germline.
Comment: This sequence change replaces glycine, which is neutral and non-polar, with arginine, which is basic and polar, at codon 754 of the NPHP4 protein (p.Gly754Arg). This variant is present in population databases (rs373962831, gnomAD 0.009%). This missense change has been observed in individual(s) with chronic kidney disease and/or nephronophthisis (PMID: 12205563, 27491411, 34295353). In at least one individual the data is consistent with being in trans (on the opposite chromosome) from a pathogenic variant. ClinVar contains an entry for this variant (Variation ID: 297808). Invitae Evidence Modeling of protein sequence and biophysical properties (such as structural, functional, and spatial information, amino acid conservation, physicochemical variation, residue mobility, and thermodynamic stability) indicates that this missense variant is expected to disrupt NPHP4 protein function with a positive predictive value of 80%. Experimental studies have shown that this missense change affects NPHP4 function (PMID: 16339905, 17558407). For these reasons, this variant has been classified as Pathogenic.

Blueprint Genetics
Classification: Pathogenic for NPHP4-related disorders. Last evaluated: 2023-04-20. Review status: criteria provided, single submitter. Criteria: ACMG Guidelines, 2015. Collection method: clinical testing. Allele origin: germline. Affected: yes. Observed: 3 variant alleles.

Eurofins Ntd Llc (ga)
Classification: Uncertain significance. Last evaluated: 2018-03-19. Review status: criteria provided, single submitter. Criteria: EGL ClinVar v180209 classification definitions. Collection method: clinical testing. Allele origin: germline. Observed: 2 variant alleles, 2 heterozygotes.

Illumina Laboratory Services, Illumina
Classification: Uncertain significance for Senior-Loken syndrome 4. Last evaluated: 2017-04-28. Review status: criteria provided, single submitter. Criteria: ICSL Variant Classification Criteria 13 December 2019. Collection method: clinical testing. Allele origin: germline.

Juno Genomics, Hangzhou Juno Genomics, Inc
Classification: Likely pathogenic for Nephronophthisis 4; Senior-Loken syndrome 4. Review status: criteria provided, single submitter. Criteria: ACMG Guidelines, 2015. Collection method: clinical testing. Allele origin: germline.
Comment: Absent from controls (or at extremely low frequency if recessive) in Genome Aggregation Database.;For recessive disorders, detected in trans with a pathogenic variant.;Co-segregation with disease in multiple affected family members.;Well-established in vitro or in vivo functional studies supportive of a damaging effect on the gene or gene product.

Literature cited by the submitters: PubMed 12205563 (cited by Labcorp Genetics (formerly Invitae), Labcorp); PubMed 27491411 (cited by Labcorp Genetics (formerly Invitae), Labcorp); PubMed 34295353 (cited by Labcorp Genetics (formerly Invitae), Labcorp); PubMed 16339905 (cited by Labcorp Genetics (formerly Invitae), Labcorp); PubMed 17558407 (cited by Labcorp Genetics (formerly Invitae), Labcorp).